The following is an entry in ClinVar:

NM_002485.5(NBN):c.46_49del (p.Tyr16fs)

Gene: NBN (nibrin; minus strand). Cytogenetic location: 8q21.3.
Variant type: Deletion.
Coding change: c.46_49del on transcript NM_002485.5 (MANE Select); coding-DNA positions 46 to 49, 4 bases deleted (TACA; older notation c.46_49delTACA).
Protein change: p.Tyr16fs; shifts the reading frame from tyrosine 16.
Molecular consequence: frameshift variant. On other transcripts: 5 prime UTR variant (1).
Genome position (GRCh38, 1-based): chr8:89,982,844-89,982,847, TGTA deleted on the plus strand (TACA on the coding strand, the reverse complement: NBN is on the minus strand); deleting any 4 consecutive bases within chr8:89,982,844-89,982,849 gives the same sequence; the c. name uses the placement nearest the transcript's 3' end. VCF-style (leftmost placement, unchanged base first): chr8-89982843-CTGTA-C. GRCh37 (hg19) VCF-style: chr8-90995071-CTGTA-C.
Other names: c.-251_-248del (NM_001024688.3); short protein forms Y16fs.
Identifiers: ClinVar variation 995577 (VCV000995577.4), dbSNP rs1812139426, ClinGen allele CA1139660652.
Genomic context (GRCh38, chr8:89,982,843, plus strand): 5'-TTTTCAATCAGAATGGCACAGTTTTTCCTTCCAACAACGTACTCAACGCCAGTCAAAAGT[CTGTA>C]TGGTTCTCCTGAGATAAATTTTTTTTTAAAAAAAGATAAGTTGATAGACACATACACATG-3'

ClinVar aggregate classification (germline): Pathogenic/Likely pathogenic. Review status: criteria provided, multiple submitters, no conflicts (2 of 4 stars). 2 submissions from 2 submitters: Pathogenic (1); Likely pathogenic (1). Last evaluated 2023-01-31.

Conditions:
Hereditary breast ovarian cancer syndrome. Also called: Hereditary breast and ovarian cancer; Hereditary breast and ovarian cancer syndrome; BRCA1- and BRCA2-Associated Hereditary Breast and Ovarian Cancer; Hereditary breast and/or ovarian cancer syndrome; Hereditary breast and ovarian cancer syndrome (HBOC); Breast and ovarian cancer. Identifiers: Orphanet 145, MedGen C0677776, MeSH D061325, MONDO:0003582. Disease mechanism: loss of function.
Microcephaly, normal intelligence and immunodeficiency (NBS). Also called: Microcephaly with normal intelligence immunodeficiency and lymphoreticular malignancies; Nonsyndromal microcephaly autosomal recessive with normal intelligence; Seemanova syndrome 2; Immunodeficiency, microcephaly with normal intelligence; Ataxia telangiectasia variant V1; BERLIN BREAKAGE SYNDROME. Identifiers: Orphanet 647, MedGen C0398791, MONDO:0009623, OMIM 251260.

Submissions (2):

Labcorp Genetics (formerly Invitae), Labcorp
Classification: Pathogenic for Microcephaly, normal intelligence and immunodeficiency. Last evaluated: 2023-01-31. Review status: criteria provided, single submitter. Criteria: Invitae Variant Classification Sherloc (09022015). Collection method: clinical testing. Allele origin: germline.
Comment: This sequence change creates a premature translational stop signal (p.Tyr16Aspfs*3) in the NBN gene. It is expected to result in an absent or disrupted protein product. Loss-of-function variants in NBN are known to be pathogenic (PMID: 9590180, 16415040). This variant is not present in population databases (gnomAD no frequency). For these reasons, this variant has been classified as Pathogenic. ClinVar contains an entry for this variant (Variation ID: 995577). This variant has not been reported in the literature in individuals affected with NBN-related conditions.

Molecular Diagnostics Laboratory, M Health Fairview: University of Minnesota
Classification: Likely pathogenic for Hereditary breast ovarian cancer syndrome. Last evaluated: 2020-10-22. Review status: criteria provided, single submitter. Criteria: ACMG Guidelines, 2015. Collection method: clinical testing. Allele origin: germline. Affected: yes.

Literature cited by the submitters: PubMed 9590180 (cited by Labcorp Genetics (formerly Invitae), Labcorp); PubMed 16415040 (cited by Labcorp Genetics (formerly Invitae), Labcorp).